The following is an entry in ClinVar:

ClinVar aggregate classification (germline): Uncertain significance (1 of 4 stars; one submission).

Conditions:
FG syndrome (FGS). Identifiers: MedGen C0220769, MONDO:0002010.

Submission:

Labcorp Genetics (formerly Invitae), Labcorp
Classification: Uncertain significance for FG syndrome. Last evaluated: 2025-10-10. Review status: criteria provided, single submitter. Criteria: Invitae Variant Classification Sherloc (09022015). Collection method: clinical testing. Allele origin: germline.
Comment: This sequence change replaces threonine, which is neutral and polar, with alanine, which is neutral and non-polar, at codon 1355 of the MED12 protein (p.Thr1355Ala). This variant is not present in population databases (gnomAD no frequency). This variant has not been reported in the literature in individuals affected with MED12-related conditions. Invitae Evidence Modeling of protein sequence and biophysical properties (such as structural, functional, and spatial information, amino acid conservation, physicochemical variation, residue mobility, and thermodynamic stability) indicates that this missense variant is expected to disrupt MED12 protein function with a positive predictive value of 95%. In summary, the available evidence is currently insufficient to determine the role of this variant in disease. Therefore, it has been classified as a Variant of Uncertain Significance.

NM_005120.3(MED12):c.4063A>G (p.Thr1355Ala)

Gene: MED12 (mediator complex subunit 12; plus strand). Cytogenetic location: Xq13.1.
Variant type: single nucleotide variant.
Coding change: c.4063A>G on transcript NM_005120.3 (MANE Select); coding-DNA position 4063, A replaced by G.
Protein change: p.Thr1355Ala; replaces threonine 1355 with alanine.
Molecular consequence: missense variant.
Genome position (GRCh38, 1-based): chrX:71,131,565, A>G. VCF-style: chrX-71131565-A-G. GRCh37 (hg19) VCF-style: chrX-70351415-A-G.
Other names: short protein forms T1355A.
Identifiers: ClinVar variation 4801077 (VCV004801077.1).